The following is an entry in ClinVar:

ClinVar aggregate classification (germline): Pathogenic. Review status: reviewed by expert panel (3 of 4 stars). 3 submissions from 3 submitters: Pathogenic (1). 2 of the submissions do not count toward it. Last evaluated 2025-01-29.

Conditions:
Monogenic diabetes. Identifiers: Orphanet 183625, MedGen C3888631, MONDO:0015967.

Submissions (3):

ClinGen Monogenic Diabetes Variant Curation Expert Panel
Classification: Pathogenic for Monogenic diabetes. Last evaluated: 2025-01-29. Review status: reviewed by expert panel. Criteria: ClinGen Diabetes ACMG Specifications HNF1A V2.1.0. Collection method: curation. Allele origin: germline. Inheritance: Autosomal dominant inheritance.
Comment: The c.472A>T variant in the HNF1 homeobox A gene, HNF1A, results in a premature termination at codon 158 (p.Lys158Ter) of NM_000545.8. This variant, located in biologically relevant exon 2 of 10, is predicted to lead to nonsense-mediated decay in a gene in which loss-of-function is an established disease mechanism (PVS1; PMID: 16917892). This variant is absent from gnomAD v2.1.1 (PM2_Supporting). This variant was identified in 3 unrelated individuals with non-autoimmune and non-absolute/near-absolute insulin-deficient diabetes. Still, it did not meet the thresholds set for PS4_Moderate by the ClinGen MDEP. Only 1 informative meiosis was identified in a family, which does not meet the threshold set for PP1 by the ClinGen MDEP. In summary, c.472A>T meets the criteria to be classified as pathogenic for monogenic diabetes. ACMG/AMP criteria applied, as specified by the ClinGen MDEP VCEP (specification version 2.1.1, approved 8/11/2023): PVS1, PP4_Moderate PM2_Supporting.

Labcorp Genetics (formerly Invitae), Labcorp
Classification: Pathogenic. Last evaluated: 2023-04-26. Review status: criteria provided, single submitter. Criteria: Invitae Variant Classification Sherloc (09022015). Collection method: clinical testing. Allele origin: germline. Not counted in ClinVar's aggregate classification.
Comment: For these reasons, this variant has been classified as Pathogenic. ClinVar contains an entry for this variant (Variation ID: 1338456). This premature translational stop signal has been observed in individual(s) with maturity-onset diabetes of the young (PMID: 16917892). This variant is not present in population databases (gnomAD no frequency). This sequence change creates a premature translational stop signal (p.Lys158*) in the HNF1A gene. It is expected to result in an absent or disrupted protein product. Loss-of-function variants in HNF1A are known to be pathogenic (PMID: 15928245, 18003757).

Genetic Services Laboratory, University of Chicago
Classification: Pathogenic. Last evaluated: 2018-10-26. Review status: criteria provided, single submitter. Criteria: ACMG Guidelines, 2015. Collection method: clinical testing. Allele origin: germline. Affected: yes. Not counted in ClinVar's aggregate classification.
Comment: DNA sequence analysis of the HNF1A gene demonstrated a sequence change, c.472A>T in exon 2, which results in the creation of a premature stop codon at amino acid position 158, p.Lys158*. This pathogenic sequence change is predicted to cause loss of normal protein function either through protein truncation of non-sense mediated mRNA decay. This sequence change has previously been described in a patient with HNF1A-MODY (PMID: 16917892).

Literature cited by the submitters: PubMed 16917892 (cited by Labcorp Genetics (formerly Invitae), Labcorp); PubMed 15928245 (cited by Labcorp Genetics (formerly Invitae), Labcorp); PubMed 18003757 (cited by Labcorp Genetics (formerly Invitae), Labcorp).

NM_000545.8(HNF1A):c.472A>T (p.Lys158Ter)

Gene: HNF1A (HNF1 homeobox A; plus strand). Cytogenetic location: 12q24.31.
Variant type: single nucleotide variant.
Coding change: c.472A>T on transcript NM_000545.8 (MANE Select); coding-DNA position 472, A replaced by T.
Protein change: p.Lys158Ter; replaces lysine 158 with a stop codon.
Molecular consequence: nonsense.
Genome position (GRCh38, 1-based): chr12:120,988,978, A>T. VCF-style: chr12-120988978-A-T. GRCh37 (hg19) VCF-style: chr12-121426781-A-T.
Other names: NM_000545.8(HNF1A):c.472A>T; p.Lys158Ter; c.472A>T, p.Lys158Ter (NM_001306179.2); short protein forms K158*.
Identifiers: ClinVar variation 1338456 (VCV001338456.7), dbSNP rs2135832792, ClinGen allele CA386960373.